The following is an entry in ClinVar:

ClinVar aggregate classification (germline): Uncertain significance. Review status: criteria provided, multiple submitters, no conflicts (2 of 4 stars). 2 submissions from 2 submitters: Uncertain significance (2). Last evaluated 2026-04-19.

Conditions:
Hereditary cancer-predisposing syndrome. Also called: Tumor predisposition; Neoplastic Syndromes, Hereditary; Hereditary neoplastic syndrome; Hereditary Cancer Syndrome. Identifiers: Orphanet 140162, MedGen C0027672, MeSH D009386, MONDO:0015356.
Familial cancer of breast. Also called: Hereditary breast cancer; BREAST CANCER, FAMILIAL; hereditary breast carcinoma. Identifiers: Orphanet 227535, MedGen C0346153, MONDO:0016419, OMIM 114480. Disease mechanism: loss of function.

Submissions (2):

Ambry Genetics
Classification: Uncertain significance for Hereditary cancer-predisposing syndrome. Last evaluated: 2026-04-19. Review status: criteria provided, single submitter. Criteria: Ambry Variant Classification Scheme 2023. Collection method: clinical testing. Allele origin: germline.
Comment: The p.D234H variant (also known as c.700G>C), located in coding exon 4 of the PALB2 gene, results from a G to C substitution at nucleotide position 700. The aspartic acid at codon 234 is replaced by histidine, an amino acid with similar properties. This amino acid position is conserved. In addition, this alteration is predicted to be tolerated by in silico analysis. Based on the available evidence, the clinical significance of this variant remains unclear.

Labcorp Genetics (formerly Invitae), Labcorp
Classification: Uncertain significance for Familial cancer of breast. Last evaluated: 2022-02-02. Review status: criteria provided, single submitter. Criteria: Invitae Variant Classification Sherloc (09022015). Collection method: clinical testing. Allele origin: germline.
Comment: In summary, the available evidence is currently insufficient to determine the role of this variant in disease. Therefore, it has been classified as a Variant of Uncertain Significance. Algorithms developed to predict the effect of missense changes on protein structure and function are either unavailable or do not agree on the potential impact of this missense change (SIFT: "Deleterious"; PolyPhen-2: "Benign"; Align-GVGD: "Class C0"). ClinVar contains an entry for this variant (Variation ID: 851992). This variant has not been reported in the literature in individuals affected with PALB2-related conditions. This variant is not present in population databases (gnomAD no frequency). This sequence change replaces aspartic acid, which is acidic and polar, with histidine, which is basic and polar, at codon 234 of the PALB2 protein (p.Asp234His).

NM_024675.4(PALB2):c.700G>C (p.Asp234His)

Gene: PALB2 (partner and localizer of BRCA2; minus strand). Cytogenetic location: 16p12.2.
Variant type: single nucleotide variant.
Coding change: c.700G>C on transcript NM_024675.4 (MANE Select); coding-DNA position 700, G replaced by C.
Protein change: p.Asp234His; replaces aspartic acid 234 with histidine.
Molecular consequence: missense variant.
Genome position (GRCh38, 1-based): chr16:23,635,846, C>G on the plus strand (G>C on the coding strand, the complement: PALB2 is on the minus strand). VCF-style: chr16-23635846-C-G. GRCh37 (hg19) VCF-style: chr16-23647167-C-G.
Other names: short protein forms D234H.
Identifiers: ClinVar variation 851992 (VCV000851992.11), dbSNP rs868149939, ClinGen allele CA395136379.
Genomic context (GRCh38, chr16:23,635,846, plus strand): 5'-ATAGAGTCTGTAAAGGAACTGTAGTCGCCCTGGTGAAATTAGGTCTTCTTAGGAATGTAT[C>G]AACACCTTTTTCTGGTTGGGCAGTTGGTGGAATTAATACACTGTCTTCATTAATTTCTGT-3'
Protein context (NP_078951.2, residues 224-244): PPTAQPEKGV[Asp234His]TFLRRPNFTR